The following is an entry in ClinVar:

NM_000035.4(ALDOB):c.227dup (p.Val77fs)

Gene: ALDOB (aldolase, fructose-bisphosphate B; minus strand). Cytogenetic location: 9q31.1.
Variant type: Duplication.
Coding change: c.227dup on transcript NM_000035.4 (MANE Select); coding-DNA position 227, one base duplicated (G; older notation c.227dupG).
Protein change: p.Val77fs; shifts the reading frame from valine 77.
Molecular consequence: frameshift variant.
Genome position (GRCh38, 1-based): chr9:101,429,852, C duplicated on the plus strand (G on the coding strand, the reverse complement: ALDOB is on the minus strand); the first of 5 consecutive C bases (chr9:101,429,852-101,429,856); duplicating any one gives the same sequence. VCF-style (leftmost placement, unchanged base first): chr9-101429851-A-AC. GRCh37 (hg19) VCF-style: chr9-104192133-A-AC.
Other names: short protein forms V77fs.
Identifiers: ClinVar variation 1379379 (VCV001379379.6), dbSNP rs2118362340, ClinGen allele CA2573143651.

ClinVar aggregate classification (germline): Pathogenic (1 of 4 stars; one submission).

Conditions:
Hereditary fructosuria. Also called: Hereditary fructose intolerance; Fructose intolerance; ALDOB DEFICIENCY; ALDOLASE B DEFICIENCY; FRUCTOSE-1,6-BISPHOSPHATE ALDOLASE B DEFICIENCY; FRUCTOSE-1-PHOSPHATE ALDOLASE DEFICIENCY. Identifiers: Orphanet 469, MedGen C0016751, MONDO:0009249, OMIM 229600, HP:0005973. Disease mechanism: loss of function.

Submission:

Labcorp Genetics (formerly Invitae), Labcorp
Classification: Pathogenic for Hereditary fructosuria. Last evaluated: 2021-02-03. Review status: criteria provided, single submitter. Criteria: Invitae Variant Classification Sherloc (09022015). Collection method: clinical testing. Allele origin: germline.
Comment: For these reasons, this variant has been classified as Pathogenic. This variant has not been reported in the literature in individuals with ALDOB-related conditions. This variant is not present in population databases (ExAC no frequency). This sequence change creates a premature translational stop signal (p.Val77Cysfs*53) in the ALDOB gene. It is expected to result in an absent or disrupted protein product. Loss-of-function variants in ALDOB are known to be pathogenic (PMID: 18541450).

Literature cited by the submitters: PubMed 18541450.